The following is an entry in ClinVar:

ClinVar aggregate classification (germline): Uncertain significance (1 of 4 stars; one submission).

Conditions:
Hereditary cancer-predisposing syndrome. Also called: Neoplastic Syndromes, Hereditary; Tumor predisposition; Hereditary neoplastic syndrome; Hereditary Cancer Syndrome. Identifiers: Orphanet 140162, MedGen C0027672, MeSH D009386, MONDO:0015356.

Submission:

Ambry Genetics
Classification: Uncertain significance for Hereditary cancer-predisposing syndrome. Last evaluated: 2026-07-07. Review status: criteria provided, single submitter. Criteria: Ambry Variant Classification Scheme 2023. Collection method: clinical testing. Allele origin: germline.
Comment: The p.R1087S variant (also known as c.3261A>C), located in coding exon 23 of the SMARCA4 gene, results from an A to C substitution at nucleotide position 3261. The arginine at codon 1087 is replaced by serine, an amino acid with dissimilar properties. This amino acid position is conserved. In addition, this alteration is predicted to be deleterious by in silico analysis. Based on the available evidence, the clinical significance of this variant remains unclear.

NM_003072.5(SMARCA4):c.3261A>C (p.Arg1087Ser)

Gene: SMARCA4 (SWI/SNF related BAF chromatin remodeling complex subunit ATPase 4; plus strand). Cytogenetic location: 19p13.2.
Variant type: single nucleotide variant.
Coding change: c.3261A>C on transcript NM_003072.5 (MANE Select); coding-DNA position 3261, A replaced by C.
Protein change: p.Arg1087Ser; replaces arginine 1087 with serine.
Molecular consequence: missense variant. On other transcripts: non-coding transcript variant (1).
Genome position (GRCh38, 1-based): chr19:11,027,829, A>C. VCF-style: chr19-11027829-A-C. GRCh37 (hg19) VCF-style: chr19-11138505-A-C.
Other names: c.3261A>C, p.Arg1087Ser (NM_001128844.3, NM_001128845.2, NM_001128846.2 and 6 more transcripts); short protein forms R1087S.
Identifiers: ClinVar variation 5029837 (VCV005029837.1).